The following is an entry in ClinVar:

NM_001267550.2(TTN):c.69828C>T (p.Val23276=)

Genes: TTN-AS1 (TTN antisense RNA 1; plus strand), TTN (titin; minus strand), LOC126806422 (BRD4-independent group 4 enhancer GRCh37_chr2:179440205-179441404; plus strand). Cytogenetic location: 2q31.2.
Variant type: single nucleotide variant.
Coding change: c.69828C>T on transcript NM_001267550.2 (MANE Select); coding-DNA position 69828, C replaced by T.
Protein change: p.Val23276=; no amino-acid change (valine 23276 retained).
Molecular consequence: synonymous variant.
Genome position (GRCh38, 1-based): chr2:178,576,304, G>A on the plus strand (C>T on the coding strand, the complement: TTN is on the minus strand). VCF-style: chr2-178576304-G-A. GRCh37 (hg19) VCF-style: chr2-179441031-G-A.
Other names: c.64905C>T, p.Val21635= (NM_001256850.1); c.42633C>T, p.Val14211= (NM_003319.4); c.62124C>T, p.Val20708= (NM_133378.4); c.43008C>T, p.Val14336= (NM_133432.3); c.43209C>T, p.Val14403= (NM_133437.4).
Identifiers: ClinVar variation 506991 (VCV000506991.19), dbSNP rs55659506, ClinGen allele CA1990869.

ClinVar aggregate classification (germline): Likely benign. Review status: criteria provided, multiple submitters, no conflicts (2 of 4 stars). 4 submissions from 4 submitters: Likely benign (4). Last evaluated 2025-12-21.

Conditions:
Dilated cardiomyopathy 1G (CMD1G). Identifiers: Orphanet 154, MedGen C1858763, MONDO:0011400, OMIM 604145.
Autosomal recessive limb-girdle muscular dystrophy type 2J (LGMDR10). Also called: Limb-girdle muscular dystrophy, type 2J; MUSCULAR DYSTROPHY, LIMB-GIRDLE, AUTOSOMAL RECESSIVE 10. Identifiers: Orphanet 140922, MedGen C1837342, MONDO:0012127, OMIM 608807.
Cardiovascular phenotype. Identifiers: MedGen CN230736.

Allele frequency attached by ClinVar (database versions not stated): ExAC 0.00001; gnomAD exomes 0.00001 and 0.00002; TOPMed 0.00001; gnomAD 0.00002.

Submissions (4):

Labcorp Genetics (formerly Invitae), Labcorp
Classification: Likely benign for Dilated cardiomyopathy 1G; Autosomal recessive limb-girdle muscular dystrophy type 2J. Last evaluated: 2025-12-21. Review status: criteria provided, single submitter. Criteria: Invitae Variant Classification Sherloc (09022015). Collection method: clinical testing. Allele origin: germline.

Women's Health and Genetics/Laboratory Corporation of America, LabCorp
Classification: Likely benign. Last evaluated: 2024-10-20. Review status: criteria provided, single submitter. Criteria: LabCorp Variant Classification Summary - May 2015. Collection method: clinical testing. Allele origin: germline.

Ambry Genetics
Classification: Likely benign for Cardiovascular phenotype. Last evaluated: 2019-05-30. Review status: criteria provided, single submitter. Criteria: Ambry Variant Classification Scheme 2023. Collection method: clinical testing. Allele origin: germline.

GeneDx
Classification: Likely benign. Last evaluated: 2017-01-24. Review status: criteria provided, single submitter. Criteria: GeneDx Variant Classification (06012015). Collection method: clinical testing. Allele origin: germline. Affected: yes.
Comment: This variant is considered likely benign or benign based on one or more of the following criteria: it is a conservative change, it occurs at a poorly conserved position in the protein, it is predicted to be benign by multiple in silico algorithms, and/or has population frequency not consistent with disease.